The following is an entry in ClinVar:

ClinVar aggregate classification (germline): Pathogenic (1 of 4 stars; one submission).

Submission:

Mayo Clinic Laboratories, Mayo Clinic
Classification: Pathogenic. Last evaluated: 2024-03-19. Review status: criteria provided, single submitter. Criteria: ACMG Guidelines, 2015. Collection method: clinical testing. Allele origin: germline. Observed: 1 variant allele.
Comment: PP2, PP3, PM1, PM2_moderate, PS4

Literature cited by the submitters: PubMed 20167921; PubMed 22664156; PubMed 30956055; PubMed 32277177; PubMed 32765252.

NM_000435.3(NOTCH3):c.1370G>C (p.Cys457Ser)

Gene: NOTCH3 (notch receptor 3; minus strand). Cytogenetic location: 19p13.12.
Variant type: single nucleotide variant.
Coding change: c.1370G>C on transcript NM_000435.3 (MANE Select); coding-DNA position 1370, G replaced by C.
Protein change: p.Cys457Ser; replaces cysteine 457 with serine.
Molecular consequence: missense variant.
Genome position (GRCh38, 1-based): chr19:15,188,997, C>G on the plus strand (G>C on the coding strand, the complement: NOTCH3 is on the minus strand). VCF-style: chr19-15188997-C-G. GRCh37 (hg19) VCF-style: chr19-15299808-C-G.
Other names: p.Cys457Ser; short protein forms C457S.
Identifiers: ClinVar variation 3380915 (VCV003380915.1).
Genomic context (GRCh38, chr19:15,188,997, plus strand): 5'-TCTGTCCCCGCCCCCTGCCTCAGGACCCGCCCAGGCCACGCCCACCACCCACCTGCCATA[C>G]AGATACAGGTGAACTGGCCTATGCGGTCGAGGCACGTGGCCTGGTTTCGGCAGGGCCCCG-3'
Protein context (NP_000426.2, residues 447-467): LDRIGQFTCI[Cys457Ser]MAGFTGTYCE